The following is an entry in ClinVar:

ClinVar aggregate classification (germline): Uncertain significance (1 of 4 stars; one submission).

Submission:

Labcorp Genetics (formerly Invitae), Labcorp
Classification: Uncertain significance. Last evaluated: 2025-02-24. Review status: criteria provided, single submitter. Criteria: Invitae Variant Classification Sherloc (09022015). Collection method: clinical testing. Allele origin: germline.
Comment: This sequence change replaces arginine, which is basic and polar, with cysteine, which is neutral and slightly polar, at codon 494 of the YME1L1 protein (p.Arg494Cys). This variant is not present in population databases (gnomAD no frequency). This variant has not been reported in the literature in individuals affected with YME1L1-related conditions. ClinVar contains an entry for this variant (Variation ID: 2098012). An algorithm developed to predict the effect of missense changes on protein structure and function (PolyPhen-2) suggests that this variant is likely to be disruptive. In summary, the available evidence is currently insufficient to determine the role of this variant in disease. Therefore, it has been classified as a Variant of Uncertain Significance.

NM_014263.4(YME1L1):c.1309C>T (p.Arg437Cys)

Gene: YME1L1 (YME1 like 1 ATPase; minus strand). Cytogenetic location: 10p12.1.
Variant type: single nucleotide variant.
Coding change: c.1309C>T on transcript NM_014263.4 (MANE Select); coding-DNA position 1309, C replaced by T.
Protein change: p.Arg437Cys; replaces arginine 437 with cysteine.
Molecular consequence: missense variant.
Genome position (GRCh38, 1-based): chr10:27,120,537, G>A on the plus strand (C>T on the coding strand, the complement: YME1L1 is on the minus strand). VCF-style: chr10-27120537-G-A. GRCh37 (hg19) VCF-style: chr10-27409466-G-A.
Other names: c.1210C>T, p.Arg404Cys (NM_001253866.2); c.1480C>T, p.Arg494Cys (NM_139312.3); short protein forms R437C, R404C, R494C.
Identifiers: ClinVar variation 2098012 (VCV002098012.4), dbSNP rs2539417315, ClinGen allele CA376371746.